The following is an entry in ClinVar:

NM_001080421.3(UNC13A):c.1224C>G (p.Pro408=)

Gene: UNC13A (unc-13 homolog A; minus strand). Cytogenetic location: 19p13.11.
Variant type: single nucleotide variant.
Coding change: c.1224C>G on transcript NM_001080421.3 (MANE Select); coding-DNA position 1224, C replaced by G.
Protein change: p.Pro408=; no amino-acid change (proline 408 retained).
Molecular consequence: synonymous variant.
Genome position (GRCh38, 1-based): chr19:17,655,942, G>C on the plus strand (C>G on the coding strand, the complement: UNC13A is on the minus strand). VCF-style: chr19-17655942-G-C. GRCh37 (hg19) VCF-style: chr19-17766751-G-C.
Other names: c.1224C>G, p.Pro408= (NM_001387021.1, NM_001387022.1, NM_001387023.1).
Identifiers: ClinVar variation 3349170 (VCV003349170.1).

ClinVar aggregate classification (germline): Likely benign (0 of 4 stars; one submission).

Conditions:
UNC13A-related disorder. Also called: UNC13A-related condition.

Submission:

PreventionGenetics, part of Exact Sciences
Classification: Likely benign for UNC13A-related condition. Last evaluated: 2024-03-27. Review status: no assertion criteria provided. Collection method: clinical testing. Allele origin: germline.
Comment: This variant is classified as likely benign based on ACMG/AMP sequence variant interpretation guidelines (Richards et al. 2015 PMID: 25741868, with internal and published modifications).